The following is an entry in ClinVar:

NM_006514.4(SCN10A):c.2572A>G (p.Met858Val)

Gene: SCN10A (sodium voltage-gated channel alpha subunit 10; minus strand). Cytogenetic location: 3p22.2.
Variant type: single nucleotide variant.
Coding change: c.2572A>G on transcript NM_006514.4 (MANE Select); coding-DNA position 2572, A replaced by G.
Protein change: p.Met858Val; replaces methionine 858 with valine.
Molecular consequence: missense variant.
Genome position (GRCh38, 1-based): chr3:38,728,610, T>C on the plus strand (A>G on the coding strand, the complement: SCN10A is on the minus strand). VCF-style: chr3-38728610-T-C. GRCh37 (hg19) VCF-style: chr3-38770101-T-C.
Other names: c.2572A>G, p.Met858Val (NM_001293306.2); c.2278A>G, p.Met760Val (NM_001293307.2); short protein forms M858V, M760V.
Identifiers: ClinVar variation 1793258 (VCV001793258.3), dbSNP rs755887904, ClinGen allele CA2320509.
Genomic context (GRCh38, chr3:38,728,610, plus strand): 5'-TCCCTAGCACCATCACCGTCAAGAAAAGGATGAGGCATATGGATTTTTGGCCAACTTCCA[T>C]GCAGGCCCACATGTTCTCAATCCACTCTCCACAGAGGATACGGAAGACAATGAGGAAAGA-3'
Protein context (NP_006505.4, residues 848-868): GEWIENMWAC[Met858Val]EVGQKSICLI

ClinVar aggregate classification (germline): Uncertain significance (1 of 4 stars; one submission).

Conditions:
Cardiovascular phenotype. Identifiers: MedGen CN230736.

Allele frequency attached by ClinVar (database versions not stated): ExAC 0.00001; TOPMed 0.00002.
gnomAD v4.1: 1 of 1,612,716 alleles (0.000062%); highest among the groups gnomAD compares: Non-Finnish European, 0.000085%; no homozygotes.

Submission:

Ambry Genetics
Classification: Uncertain significance for Cardiovascular phenotype. Last evaluated: 2025-10-29. Review status: criteria provided, single submitter. Criteria: Ambry Variant Classification Scheme 2023. Collection method: clinical testing. Allele origin: germline.
Comment: The p.M858V variant (also known as c.2572A>G), located in coding exon 15 of the SCN10A gene, results from an A to G substitution at nucleotide position 2572. The methionine at codon 858 is replaced by valine, an amino acid with highly similar properties. This amino acid position is conserved. In addition, this alteration is predicted to be deleterious by in silico analysis. Since supporting evidence is limited at this time, the clinical significance of this alteration remains unclear.